The following is an entry in ClinVar:

NM_002291.3(LAMB1):c.613G>A (p.Val205Met)

Gene: LAMB1 (laminin subunit beta 1; minus strand). Cytogenetic location: 7q31.1.
Variant type: single nucleotide variant.
Coding change: c.613G>A on transcript NM_002291.3 (MANE Select); coding-DNA position 613, G replaced by A.
Protein change: p.Val205Met; replaces valine 205 with methionine.
Molecular consequence: missense variant.
Genome position (GRCh38, 1-based): chr7:107,986,085, C>T on the plus strand (G>A on the coding strand, the complement: LAMB1 is on the minus strand). VCF-style: chr7-107986085-C-T. GRCh37 (hg19) VCF-style: chr7-107626530-C-T.
Other names: short protein forms V205M.
Identifiers: ClinVar variation 3708485 (VCV003708485.2).
Genomic context (GRCh38, chr7:107,986,085, plus strand): 5'-GTATCCTTGGGCTATAAGGATCTTCTATTTTGAAAGCAGGATCTAAAGCACGAAATATCA[C>T]CTAAAAATGGAAACAAGAGTAATTGGTACTTCTGCAATAATCAAAAAGTAGATTTGCAAG-3'
Protein context (NP_002282.2, residues 195-215): SDIEPSTEGE[Val205Met]IFRALDPAFK

ClinVar aggregate classification (germline): Uncertain significance (1 of 4 stars; one submission).

Submission:

Labcorp Genetics (formerly Invitae), Labcorp
Classification: Uncertain significance. Last evaluated: 2024-05-01. Review status: criteria provided, single submitter. Criteria: Invitae Variant Classification Sherloc (09022015). Collection method: clinical testing. Allele origin: germline.
Comment: This sequence change replaces valine, which is neutral and non-polar, with methionine, which is neutral and non-polar, at codon 205 of the LAMB1 protein (p.Val205Met). This variant is present in population databases (rs746865646, gnomAD 0.01%). This variant has not been reported in the literature in individuals affected with LAMB1-related conditions. An algorithm developed to predict the effect of missense changes on protein structure and function (PolyPhen-2) suggests that this variant is likely to be disruptive. In summary, the available evidence is currently insufficient to determine the role of this variant in disease. Therefore, it has been classified as a Variant of Uncertain Significance.